The following is an entry in ClinVar:

NM_014617.4(CRYGA):c.142C>T (p.Arg48Cys)

Gene: CRYGA (crystallin gamma A; minus strand). Cytogenetic location: 2q33.3.
Variant type: single nucleotide variant.
Coding change: c.142C>T on transcript NM_014617.4 (MANE Select); coding-DNA position 142, C replaced by T.
Protein change: p.Arg48Cys; replaces arginine 48 with cysteine.
Molecular consequence: missense variant.
Genome position (GRCh38, 1-based): chr2:208,163,314, G>A on the plus strand (C>T on the coding strand, the complement: CRYGA is on the minus strand). VCF-style: chr2-208163314-G-A. GRCh37 (hg19) VCF-style: chr2-209028038-G-A.
Other names: short protein forms R48C.
Identifiers: ClinVar variation 3025266 (VCV003025266.22), dbSNP rs750368223, ClinGen allele CA2078361.

ClinVar aggregate classification (germline): Uncertain significance (1 of 4 stars; one submission).

Allele frequency attached by ClinVar (database versions not stated): TOPMed 0.00002; gnomAD 0.00003; ExAC 0.00007.
gnomAD v4.1: 83 of 1,613,924 alleles (0.0051%); highest among the groups gnomAD compares: Middle Eastern, 0.066%; 1 homozygote.

Submission:

CeGaT Center for Human Genetics Tuebingen
Classification: Uncertain significance. Last evaluated: 2024-02-01. Review status: criteria provided, single submitter. Criteria: CeGaT Center For Human Genetics Tuebingen Variant Classification Criteria Version 2. Collection method: clinical testing. Allele origin: germline. Affected: yes. Observed: 1 variant allele.
Comment: CRYGA: PP3